The following is an entry in ClinVar:

NM_032043.3(BRIP1):c.1927A>C (p.Asn643His)

Gene: BRIP1 (BRCA1 interacting DNA helicase 1; minus strand). Cytogenetic location: 17q23.2.
Variant type: single nucleotide variant.
Coding change: c.1927A>C on transcript NM_032043.3 (MANE Select); coding-DNA position 1927, A replaced by C.
Protein change: p.Asn643His; replaces asparagine 643 with histidine.
Molecular consequence: missense variant.
Genome position (GRCh38, 1-based): chr17:61,780,269, T>G on the plus strand (A>C on the coding strand, the complement: BRIP1 is on the minus strand). VCF-style: chr17-61780269-T-G. GRCh37 (hg19) VCF-style: chr17-59857630-T-G.
Other names: short protein forms N643H.
Identifiers: ClinVar variation 1492881 (VCV001492881.7), dbSNP rs2145074666, ClinGen allele CA400479176.

ClinVar aggregate classification (germline): Uncertain significance (1 of 4 stars; one submission).

Conditions:
Fanconi anemia complementation group J. Also called: BRIP1-Related Fanconi Anemia. Identifiers: Orphanet 84, MedGen C1836860, MONDO:0012187, OMIM 609054.
Familial cancer of breast. Also called: BREAST CANCER, FAMILIAL; Hereditary breast cancer; hereditary breast carcinoma. Identifiers: Orphanet 227535, MedGen C0346153, MONDO:0016419, OMIM 114480. Disease mechanism: loss of function.

Allele frequency attached by ClinVar (database versions not stated): gnomAD exomes below 0.00001.
gnomAD v4.1: 1 of 1,613,238 alleles (0.000062%); highest among the groups gnomAD compares: East Asian, 0.0022%; no homozygotes.

Submission:

Labcorp Genetics (formerly Invitae), Labcorp
Classification: Uncertain significance for Familial cancer of breast; Fanconi anemia complementation group J. Last evaluated: 2024-01-18. Review status: criteria provided, single submitter. Criteria: Invitae Variant Classification Sherloc (09022015). Collection method: clinical testing. Allele origin: germline.
Comment: This sequence change replaces asparagine, which is neutral and polar, with histidine, which is basic and polar, at codon 643 of the BRIP1 protein (p.Asn643His). This variant is not present in population databases (gnomAD no frequency). This variant has not been reported in the literature in individuals affected with BRIP1-related conditions. ClinVar contains an entry for this variant (Variation ID: 1492881). Advanced modeling of protein sequence and biophysical properties (such as structural, functional, and spatial information, amino acid conservation, physicochemical variation, residue mobility, and thermodynamic stability) performed at Invitae indicates that this missense variant is not expected to disrupt BRIP1 protein function with a negative predictive value of 80%. In summary, the available evidence is currently insufficient to determine the role of this variant in disease. Therefore, it has been classified as a Variant of Uncertain Significance.